The following is an entry in ClinVar:

ClinVar aggregate classification (germline): Uncertain significance (1 of 4 stars; one submission).

Submission:

GeneDx
Classification: Uncertain significance. Last evaluated: 2022-09-29. Review status: criteria provided, single submitter. Criteria: GeneDx Variant Classification Process June 2021. Collection method: clinical testing. Allele origin: germline. Affected: yes.
Comment: Not observed at significant frequency in large population cohorts (gnomAD); In-frame deletion of 1 amino acids in a non-repeat region; In silico analysis supports a deleterious effect on protein structure/function; Has not been previously published as pathogenic or benign to our knowledge

NM_078480.3(PUF60):c.639CAT[1] (p.Ile215del)

Gene: PUF60 (poly(U) binding splicing factor 60; minus strand). Cytogenetic location: 8q24.3.
Variant type: Microsatellite.
Coding change: c.639CAT[1] on transcript NM_078480.3 (MANE Select); one copy of the 3-base unit CAT starting at c.639; the reference has two copies in a row; one copy, 3 bases deleted.
Protein change: p.Ile215del; deletes isoleucine 215.
Molecular consequence: inframe deletion.
Genome position (GRCh38, 1-based): chr8:143,818,035-143,818,037, ATG deleted on the plus strand (CAT on the coding strand, the reverse complement: PUF60 is on the minus strand); deleting any 3 consecutive bases within chr8:143,818,035-143,818,040 gives the same sequence; the position shown is the placement nearest the transcript's 3' end. VCF-style (leftmost placement, unchanged base first): chr8-143818034-TATG-T. GRCh37 (hg19) VCF-style: chr8-144900204-TATG-T.
Other names: c.510CAT[1], p.Ile172del (NM_001136033.3); c.585CAT[1], p.Ile197del (NM_001271096.2); c.501CAT[1], p.Ile169del (NM_001271097.2); c.636CAT[1], p.Ile214del (NM_001271098.2); c.552CAT[1], p.Ile186del (NM_001271099.2); c.459CAT[1], p.Ile155del (NM_001271100.2); c.750CAT[1], p.Ile252del (NM_001362895.2, NM_001362896.2); c.699CAT[1], p.Ile235del (NM_001362897.2); and 1 more; short protein forms I155del, I169del, I172del, I186del, I197del, I198del, I214del, I215del.
Identifiers: ClinVar variation 2446650 (VCV002446650.1), dbSNP rs2538860644, ClinGen allele CA2580617241.